The following is an entry in ClinVar:

ClinVar aggregate classification (germline): Benign/Likely benign. Review status: criteria provided, multiple submitters, no conflicts (2 of 4 stars). 3 submissions from 3 submitters: Benign (1); Likely benign (2). Last evaluated 2024-10-07.

Conditions:
Hereditary cancer-predisposing syndrome. Also called: Hereditary Cancer Syndrome; Hereditary neoplastic syndrome; Tumor predisposition; Neoplastic Syndromes, Hereditary. Identifiers: Orphanet 140162, MedGen C0027672, MeSH D009386, MONDO:0015356.
Familial cancer of breast. Also called: hereditary breast carcinoma; Hereditary breast cancer; BREAST CANCER, FAMILIAL. Identifiers: Orphanet 227535, MedGen C0346153, MONDO:0016419, OMIM 114480. Disease mechanism: loss of function.

Allele frequency attached by ClinVar (database versions not stated): gnomAD exomes below 0.00001.
gnomAD v4.1: 1 of 1,613,892 alleles (0.000062%); highest among the groups gnomAD compares: South Asian, 0.0011%; no homozygotes.

Submissions (3):

Myriad Genetics, Inc.
Classification: Benign for Familial cancer of breast. Last evaluated: 2024-10-07. Review status: criteria provided, single submitter. Criteria: Myriad Autosomal Dominant, Autosomal Recessive and X-Linked Classification Criteria (2023). Collection method: clinical testing. Allele origin: unknown.
Comment: This variant is considered benign. This variant is a silent/synonymous amino acid change and it is not expected to impact splicing.

Labcorp Genetics (formerly Invitae), Labcorp
Classification: Likely benign for Familial cancer of breast. Last evaluated: 2024-02-17. Review status: criteria provided, single submitter. Criteria: Invitae Variant Classification Sherloc (09022015). Collection method: clinical testing. Allele origin: germline.

Ambry Genetics
Classification: Likely benign for Hereditary cancer-predisposing syndrome. Last evaluated: 2020-08-03. Review status: criteria provided, single submitter. Criteria: Ambry Variant Classification Scheme 2023. Collection method: clinical testing. Allele origin: germline.

NM_007194.4(CHEK2):c.1173G>A (p.Leu391=)

Gene: CHEK2 (checkpoint kinase 2; minus strand). Cytogenetic location: 22q12.1.
Variant type: single nucleotide variant.
Coding change: c.1173G>A on transcript NM_007194.4 (MANE Select); coding-DNA position 1173, G replaced by A.
Protein change: p.Leu391=; no amino-acid change (leucine 391 retained).
Molecular consequence: synonymous variant.
Genome position (GRCh38, 1-based): chr22:28,695,796, C>T on the plus strand (G>A on the coding strand, the complement: CHEK2 is on the minus strand). VCF-style: chr22-28695796-C-T. GRCh37 (hg19) VCF-style: chr22-29091784-C-T.
Other names: c.1302G>A, p.Leu434= (NM_001005735.3); c.510G>A, p.Leu170= (NM_001257387.3); c.972G>A, p.Leu324= (NM_001349956.3); c.1086G>A, p.Leu362= (NM_145862.3).
Identifiers: ClinVar variation 1400113 (VCV001400113.12), dbSNP rs2145804298, ClinGen allele CA513944908.